The following is an entry in ClinVar:

NM_030787.4(CFHR5):c.607+4A>G

Gene: CFHR5 (complement factor H related 5; plus strand). Cytogenetic location: 1q31.3.
Variant type: single nucleotide variant.
Coding change: c.607+4A>G on transcript NM_030787.4 (MANE Select); 4 bases into the intron after coding-DNA position 607, A replaced by G.
Molecular consequence: intron variant.
Genome position (GRCh38, 1-based): chr1:196,994,260, A>G. VCF-style: chr1-196994260-A-G. GRCh37 (hg19) VCF-style: chr1-196963390-A-G.
Identifiers: ClinVar variation 3006223 (VCV003006223.4), dbSNP rs190137007, ClinGen allele CA35877301.

ClinVar aggregate classification (germline): Uncertain significance. Review status: criteria provided, multiple submitters, no conflicts (2 of 4 stars). 2 submissions from 2 submitters: Uncertain significance (2). Last evaluated 2025-02-16.

Conditions:
C3 glomerulonephritis. Also called: C3 GLOMERULOPATHY 3; Nephropathy due to CFHR5 Deficiency. Identifiers: Orphanet 329931, MedGen C4055342, MONDO:0013892, OMIM 614809.

Allele frequency attached by ClinVar (database versions not stated): gnomAD exomes below 0.00001; TOPMed 0.00002; gnomAD 0.00004; 1000 Genomes Project 0.00020; 1000 Genomes Project 30x 0.00031.
gnomAD v4.1: 12 of 1,607,846 alleles (0.00075%); highest among the groups gnomAD compares: African/African-American, 0.013%; no homozygotes.

Submissions (2):

Labcorp Genetics (formerly Invitae), Labcorp
Classification: Uncertain significance. Last evaluated: 2025-02-16. Review status: criteria provided, single submitter. Criteria: Invitae Variant Classification Sherloc (09022015). Collection method: clinical testing. Allele origin: germline.
Comment: This sequence change falls in intron 4 of the CFHR5 gene. It does not directly change the encoded amino acid sequence of the CFHR5 protein. It affects a nucleotide within the consensus splice site. The frequency data for this variant in the population databases is considered unreliable, as metrics indicate poor data quality at this position in the gnomAD database. This variant has not been reported in the literature in individuals affected with CFHR5-related conditions. ClinVar contains an entry for this variant (Variation ID: 3006223). Variants that disrupt the consensus splice site are a relatively common cause of aberrant splicing (PMID: 17576681, 9536098). Algorithms developed to predict the effect of sequence changes on RNA splicing suggest that this variant is not likely to affect RNA splicing. In summary, the available evidence is currently insufficient to determine the role of this variant in disease. Therefore, it has been classified as a Variant of Uncertain Significance.

Fulgent Genetics
Classification: Uncertain significance for C3 glomerulonephritis. Last evaluated: 2024-05-28. Review status: criteria provided, single submitter. Criteria: ACMG Guidelines, 2015. Collection method: clinical testing. Allele origin: germline.

Literature cited by the submitters: PubMed 17576681 (cited by Labcorp Genetics (formerly Invitae), Labcorp); PubMed 9536098 (cited by Labcorp Genetics (formerly Invitae), Labcorp).